The following is an entry in ClinVar:

NM_022089.4(ATP13A2):c.1244G>A (p.Arg415Gln)

Gene: ATP13A2 (ATPase cation transporting 13A2; minus strand). Cytogenetic location: 1p36.13.
Variant type: single nucleotide variant.
Coding change: c.1244G>A on transcript NM_022089.4 (MANE Select); coding-DNA position 1244, G replaced by A.
Protein change: p.Arg415Gln; replaces arginine 415 with glutamine.
Molecular consequence: missense variant.
Genome position (GRCh38, 1-based): chr1:16,996,448, C>T on the plus strand (G>A on the coding strand, the complement: ATP13A2 is on the minus strand). VCF-style: chr1-16996448-C-T. GRCh37 (hg19) VCF-style: chr1-17322943-C-T.
Other names: p.Arg415Gln; c.1229G>A, p.Arg410Gln (NM_001141973.3, NM_001141974.3); short protein forms R415Q, R410Q.
Identifiers: ClinVar variation 293794 (VCV000293794.16), dbSNP rs190746040, ClinGen allele CA637304.

ClinVar aggregate classification (germline): Conflicting classifications of pathogenicity. Review status: criteria provided, conflicting classifications (1 of 4 stars). 5 submissions from 5 submitters: Uncertain significance (4); Likely benign (1). Last evaluated 2024-08-12.

Conditions:
Inborn genetic diseases. Identifiers: MedGen C0950123, MeSH D030342.
Kufor-Rakeb syndrome (KRS). Also called: PARKINSON DISEASE 9, AUTOSOMAL RECESSIVE, JUVENILE-ONSET. Identifiers: Orphanet 306674, Orphanet 314632, MedGen C1847640, MONDO:0011706, OMIM 606693.
Autosomal recessive spastic paraplegia type 78. Identifiers: Orphanet 513436, MedGen C5567893, MONDO:0014975, OMIM 617225.

Allele frequency attached by ClinVar (database versions not stated): ExAC 0.00007; gnomAD exomes 0.00009 and 0.00017; 1000 Genomes Project 30x 0.00016; 1000 Genomes Project 0.00020; gnomAD 0.00025 and 0.00029; TOPMed 0.00043.
gnomAD v4.1: 185 of 1,614,036 alleles (0.011%); highest among the groups gnomAD compares: Admixed American, 0.11%; no homozygotes.

Submissions (6):

Mayo Clinic Laboratories, Mayo Clinic
Classification: Uncertain significance. Last evaluated: 2024-08-12. Review status: criteria provided, single submitter. Criteria: ACMG Guidelines, 2015. Collection method: clinical testing. Allele origin: germline. Observed: 2 variant alleles.

GeneDx
Classification: Uncertain significance. Last evaluated: 2024-07-13. Review status: criteria provided, single submitter. Criteria: GeneDx Variant Classification Process June 2021. Collection method: clinical testing. Allele origin: germline. Affected: yes.
Comment: Reported previously in a patient with Parkinson's disease and not seen in controls; however, no further clinical or segregation information was provided (PMID: 38173558); In silico analysis indicates that this missense variant does not alter protein structure/function; In silico analysis suggests this variant may impact gene splicing. In the absence of RNA/functional studies, the actual effect of this sequence change is unknown.; This variant is associated with the following publications: (PMID: 38173558)

Labcorp Genetics (formerly Invitae), Labcorp
Classification: Uncertain significance for Kufor-Rakeb syndrome; Autosomal recessive spastic paraplegia type 78. Last evaluated: 2022-09-27. Review status: criteria provided, single submitter. Criteria: Invitae Variant Classification Sherloc (09022015). Collection method: clinical testing. Allele origin: germline.
Comment: This sequence change replaces arginine, which is basic and polar, with glutamine, which is neutral and polar, at codon 415 of the ATP13A2 protein (p.Arg415Gln). This variant is present in population databases (rs190746040, gnomAD 0.08%). This variant has not been reported in the literature in individuals affected with ATP13A2-related conditions. ClinVar contains an entry for this variant (Variation ID: 293794). Advanced modeling of protein sequence and biophysical properties (such as structural, functional, and spatial information, amino acid conservation, physicochemical variation, residue mobility, and thermodynamic stability) performed at Invitae indicates that this missense variant is not expected to disrupt ATP13A2 protein function. Algorithms developed to predict the effect of sequence changes on RNA splicing suggest that this variant may create or strengthen a splice site. In summary, the available evidence is currently insufficient to determine the role of this variant in disease. Therefore, it has been classified as a Variant of Uncertain Significance.

Ambry Genetics
Classification: Likely benign for Inborn genetic diseases. Last evaluated: 2021-10-02. Review status: criteria provided, single submitter. Criteria: Ambry Variant Classification Scheme 2023. Collection method: clinical testing. Allele origin: germline.

Illumina Laboratory Services, Illumina
Classification: Uncertain significance for Kufor-Rakeb syndrome. Last evaluated: 2018-01-13. Review status: criteria provided, single submitter. Criteria: ICSL Variant Classification Criteria 13 December 2019. Collection method: clinical testing. Allele origin: germline.

Dr. Peter K. Rogan Lab, Western University
No classification provided (evidence only). Condition: Melanoma. Review status: no classification provided. Collection method: in vitro. Allele origin: not applicable. Functional consequence: skipped exon. Not counted in ClinVar's aggregate classification.

Literature cited by the submitters: PubMed 38173558 (cited by Mayo Clinic Laboratories, Mayo Clinic).